The following is an entry in ClinVar:

NM_032634.4(PIGO):c.1369C>G (p.Leu457Val)

Gene: PIGO (phosphatidylinositol glycan anchor biosynthesis class O; minus strand). Cytogenetic location: 9p13.3.
Variant type: single nucleotide variant.
Coding change: c.1369C>G on transcript NM_032634.4 (MANE Select); coding-DNA position 1369, C replaced by G.
Protein change: p.Leu457Val; replaces leucine 457 with valine.
Molecular consequence: missense variant. On other transcripts: intron variant (2).
Genome position (GRCh38, 1-based): chr9:35,092,518, G>C on the plus strand (C>G on the coding strand, the complement: PIGO is on the minus strand). VCF-style: chr9-35092518-G-C. GRCh37 (hg19) VCF-style: chr9-35092515-G-C.
Other names: p.Leu457Val; c.1344+25C>G (NM_152850.4, NM_001201484.2); short protein forms L457V.
Identifiers: ClinVar variation 473215 (VCV000473215.9), dbSNP rs769460289, ClinGen allele CA5040645.
Genomic context (GRCh38, chr9:35,092,518, plus strand): 5'-AGCCTGGGGATATTGCCCACTGAGATGCCAGCAGGCAGATAAAGCAGGAAGCAGCCAAGA[G>C]AGCAGTACCCCCCGCCATGCGGACCAGAGAGAAACGAGCCCAAGACTCGATGCACATGGC-3'
Protein context (NP_116023.2, residues 447-467): SLVRMAGGTA[Leu457Val]LAASCFICLL

ClinVar aggregate classification (germline): Uncertain significance. Review status: criteria provided, multiple submitters, no conflicts (2 of 4 stars). 5 submissions from 5 submitters: Uncertain significance (5). Last evaluated 2024-10-01.

Conditions:
Inborn genetic diseases. Identifiers: MedGen C0950123, MeSH D030342.
Hyperphosphatasia with impaired intellectual development syndrome 2. Also called: GLYCOSYLPHOSPHATIDYLINOSITOL BIOSYNTHESIS DEFECT 6; Hyperphosphatasia with intellectual disability syndrome 2. Identifiers: Orphanet 247262, MedGen C3553637, MONDO:0013882, OMIM 614749.

Allele frequency attached by ClinVar (database versions not stated): gnomAD 0.00001; TOPMed 0.00003; gnomAD exomes 0.00008; ExAC 0.00007.
gnomAD v4.1: 27 of 1,614,060 alleles (0.0017%); highest among the groups gnomAD compares: Admixed American, 0.028%; no homozygotes.

Submissions (5):

Ambry Genetics
Classification: Uncertain significance for Inborn genetic diseases. Last evaluated: 2024-10-01. Review status: criteria provided, single submitter. Criteria: Ambry Variant Classification Scheme 2023. Collection method: clinical testing. Allele origin: germline.

Labcorp Genetics (formerly Invitae), Labcorp
Classification: Uncertain significance for Hyperphosphatasia with impaired intellectual development syndrome 2. Last evaluated: 2022-07-29. Review status: criteria provided, single submitter. Criteria: Invitae Variant Classification Sherloc (09022015). Collection method: clinical testing. Allele origin: germline.
Comment: This sequence change replaces leucine, which is neutral and non-polar, with valine, which is neutral and non-polar, at codon 457 of the PIGO protein (p.Leu457Val). This variant is present in population databases (rs769460289, gnomAD 0.04%). This variant has not been reported in the literature in individuals affected with PIGO-related conditions. ClinVar contains an entry for this variant (Variation ID: 473215). Algorithms developed to predict the effect of missense changes on protein structure and function (SIFT, PolyPhen-2, Align-GVGD) all suggest that this variant is likely to be tolerated. In summary, the available evidence is currently insufficient to determine the role of this variant in disease. Therefore, it has been classified as a Variant of Uncertain Significance.

Mayo Clinic Laboratories, Mayo Clinic
Classification: Uncertain significance. Last evaluated: 2022-06-23. Review status: criteria provided, single submitter. Criteria: ACMG Guidelines, 2015. Collection method: clinical testing. Allele origin: germline. Observed: 1 variant allele.
Comment: BP4

GeneDx
Classification: Uncertain significance. Last evaluated: 2020-06-02. Review status: criteria provided, single submitter. Criteria: GeneDx Variant Classification Process June 2021. Collection method: clinical testing. Allele origin: germline. Affected: yes.
Comment: In silico analysis supports that this missense variant does not alter protein structure/function; Has not been previously published as pathogenic or benign to our knowledge

Breakthrough Genomics
Classification: Uncertain significance. Review status: criteria provided, single submitter. Criteria: ACMG Guidelines, 2015. Collection method: not provided. Allele origin: germline. Inheritance: Autosomal recessive inheritance. Affected: yes.